The following is an entry in ClinVar:

ClinVar aggregate classification (germline): Uncertain significance. Review status: criteria provided, multiple submitters, no conflicts (2 of 4 stars). 2 submissions from 2 submitters: Uncertain significance (2). Last evaluated 2022-11-01.

Conditions:
Inborn genetic diseases. Identifiers: MedGen C0950123, MeSH D030342.
L-2-hydroxyglutaric aciduria (L2HGA). Identifiers: Orphanet 79314, MedGen C1855995, MONDO:0009370, OMIM 236792, HP:0040144.

Allele frequency attached by ClinVar (database versions not stated): TOPMed 0.00003; gnomAD exomes below 0.00001; gnomAD 0.00001.
gnomAD v4.1: 7 of 1,560,896 alleles (0.00045%); highest among the groups gnomAD compares: African/African-American, 0.0095%; no homozygotes.

Submissions (2):

Labcorp Genetics (formerly Invitae), Labcorp
Classification: Uncertain significance for L-2-hydroxyglutaric aciduria. Last evaluated: 2022-11-01. Review status: criteria provided, single submitter. Criteria: Invitae Variant Classification Sherloc (09022015). Collection method: clinical testing. Allele origin: germline.
Comment: This sequence change falls in intron 1 of the L2HGDH gene. It does not directly change the encoded amino acid sequence of the L2HGDH protein. It affects a nucleotide within the consensus splice site. The frequency data for this variant in the population databases is considered unreliable, as metrics indicate poor data quality at this position in the gnomAD database. This variant has not been reported in the literature in individuals affected with L2HGDH-related conditions. Variants that disrupt the consensus splice site are a relatively common cause of aberrant splicing (PMID: 17576681, 9536098). Algorithms developed to predict the effect of sequence changes on RNA splicing suggest that this variant is not likely to affect RNA splicing. In summary, the available evidence is currently insufficient to determine the role of this variant in disease. Therefore, it has been classified as a Variant of Uncertain Significance.

Ambry Genetics
Classification: Uncertain significance for Inborn genetic diseases. Last evaluated: 2021-10-21. Review status: criteria provided, single submitter. Criteria: Ambry Variant Classification Scheme 2023. Collection method: clinical testing. Allele origin: germline.
Comment: The c.140+3G>C intronic alteration consists of a G to C substitution 3 nucleotides after exon 1 of the L2HGDH gene. Based on insufficient or conflicting evidence, the clinical significance of this alteration remains unclear.

Literature cited by the submitters: PubMed 17576681 (cited by Labcorp Genetics (formerly Invitae), Labcorp); PubMed 9536098 (cited by Labcorp Genetics (formerly Invitae), Labcorp).

NM_024884.3(L2HGDH):c.140+3G>C

Genes: DMAC2L (distal membrane arm assembly component 2 like; plus strand), L2HGDH (L-2-hydroxyglutarate dehydrogenase; minus strand). Cytogenetic location: 14q21.3.
Variant type: single nucleotide variant.
Coding change: c.140+3G>C on transcript NM_024884.3 (MANE Select); 3 bases into the intron after coding-DNA position 140, G replaced by C.
Molecular consequence: intron variant.
Genome position (GRCh38, 1-based): chr14:50,312,008, C>G on the plus strand (G>C on the coding strand, the complement: L2HGDH is on the minus strand). VCF-style: chr14-50312008-C-G. GRCh37 (hg19) VCF-style: chr14-50778726-C-G.
Other names: c.140+3G>C (NM_001425212.1); c.-564+3G>C (NM_001425217.1); c.-486+3G>C (NM_001425218.1); c.-471+3G>C (NM_001425216.1); c.-115+3G>C (NM_001425213.1, NM_001425214.1); c.-629+3G>C (NM_001425215.1); c.-6+154C>G (NM_001382509.1).
Identifiers: ClinVar variation 1991625 (VCV001991625.4), dbSNP rs954983780, ClinGen allele CA260733574.